The following continues an entry in ClinVar:

NM_022356.4(P3H1):c.2055+17C>T

Gene: P3H1. ClinVar aggregate classification (germline): Benign. Benign (5).

Submissions 32 to 68 of 119:

Dr. Peter K. Rogan Lab, Western University
No classification provided (evidence only). Condition: Nonpapillary renal cell carcinoma. Review status: no classification provided. Collection method: in vitro. Allele origin: not applicable. Functional consequence: retained intron. Not counted in ClinVar's aggregate classification.

Dr. Peter K. Rogan Lab, Western University
No classification provided (evidence only). Condition: Nonpapillary renal cell carcinoma. Review status: no classification provided. Collection method: in vitro. Allele origin: not applicable. Functional consequence: retained intron. Not counted in ClinVar's aggregate classification.

Dr. Peter K. Rogan Lab, Western University
No classification provided (evidence only). Condition: Nonpapillary renal cell carcinoma. Review status: no classification provided. Collection method: in vitro. Allele origin: not applicable. Functional consequence: retained intron. Not counted in ClinVar's aggregate classification.

Dr. Peter K. Rogan Lab, Western University
No classification provided (evidence only). Condition: Nonpapillary renal cell carcinoma. Review status: no classification provided. Collection method: in vitro. Allele origin: not applicable. Functional consequence: retained intron. Not counted in ClinVar's aggregate classification.

Dr. Peter K. Rogan Lab, Western University
No classification provided (evidence only). Condition: Nonpapillary renal cell carcinoma. Review status: no classification provided. Collection method: in vitro. Allele origin: not applicable. Functional consequence: retained intron. Not counted in ClinVar's aggregate classification.

Dr. Peter K. Rogan Lab, Western University
No classification provided (evidence only). Condition: Familial pancreatic carcinoma. Review status: no classification provided. Collection method: in vitro. Allele origin: not applicable. Functional consequence: retained intron. Not counted in ClinVar's aggregate classification.

Dr. Peter K. Rogan Lab, Western University
No classification provided (evidence only). Condition: Familial pancreatic carcinoma. Review status: no classification provided. Collection method: in vitro. Allele origin: not applicable. Functional consequence: retained intron. Not counted in ClinVar's aggregate classification.

Dr. Peter K. Rogan Lab, Western University
No classification provided (evidence only). Condition: Familial pancreatic carcinoma. Review status: no classification provided. Collection method: in vitro. Allele origin: not applicable. Functional consequence: retained intron. Not counted in ClinVar's aggregate classification.

Dr. Peter K. Rogan Lab, Western University
No classification provided (evidence only). Condition: Familial pancreatic carcinoma. Review status: no classification provided. Collection method: in vitro. Allele origin: not applicable. Functional consequence: retained intron. Not counted in ClinVar's aggregate classification.

Dr. Peter K. Rogan Lab, Western University
No classification provided (evidence only). Condition: Lymphoma. Review status: no classification provided. Collection method: in vitro. Allele origin: not applicable. Functional consequence: retained intron. Not counted in ClinVar's aggregate classification.

Dr. Peter K. Rogan Lab, Western University
No classification provided (evidence only). Condition: Lymphoma. Review status: no classification provided. Collection method: in vitro. Allele origin: not applicable. Functional consequence: retained intron. Not counted in ClinVar's aggregate classification.

Dr. Peter K. Rogan Lab, Western University
No classification provided (evidence only). Condition: Sarcoma. Review status: no classification provided. Collection method: in vitro. Allele origin: not applicable. Functional consequence: retained intron. Not counted in ClinVar's aggregate classification.

Dr. Peter K. Rogan Lab, Western University
No classification provided (evidence only). Condition: Sarcoma. Review status: no classification provided. Collection method: in vitro. Allele origin: not applicable. Functional consequence: retained intron. Not counted in ClinVar's aggregate classification.

Dr. Peter K. Rogan Lab, Western University
No classification provided (evidence only). Condition: Sarcoma. Review status: no classification provided. Collection method: in vitro. Allele origin: not applicable. Functional consequence: retained intron. Not counted in ClinVar's aggregate classification.

Dr. Peter K. Rogan Lab, Western University
No classification provided (evidence only). Condition: Sarcoma. Review status: no classification provided. Collection method: in vitro. Allele origin: not applicable. Functional consequence: retained intron. Not counted in ClinVar's aggregate classification.

Dr. Peter K. Rogan Lab, Western University
No classification provided (evidence only). Condition: Sarcoma. Review status: no classification provided. Collection method: in vitro. Allele origin: not applicable. Functional consequence: retained intron. Not counted in ClinVar's aggregate classification.

Dr. Peter K. Rogan Lab, Western University
No classification provided (evidence only). Condition: Sarcoma. Review status: no classification provided. Collection method: in vitro. Allele origin: not applicable. Functional consequence: retained intron. Not counted in ClinVar's aggregate classification.

Dr. Peter K. Rogan Lab, Western University
No classification provided (evidence only). Condition: Nonpapillary renal cell carcinoma. Review status: no classification provided. Collection method: in vitro. Allele origin: not applicable. Functional consequence: retained intron. Not counted in ClinVar's aggregate classification.

Dr. Peter K. Rogan Lab, Western University
No classification provided (evidence only). Condition: Nonpapillary renal cell carcinoma. Review status: no classification provided. Collection method: in vitro. Allele origin: not applicable. Functional consequence: retained intron. Not counted in ClinVar's aggregate classification.

Dr. Peter K. Rogan Lab, Western University
No classification provided (evidence only). Condition: Nonpapillary renal cell carcinoma. Review status: no classification provided. Collection method: in vitro. Allele origin: not applicable. Functional consequence: retained intron. Not counted in ClinVar's aggregate classification.

Dr. Peter K. Rogan Lab, Western University
No classification provided (evidence only). Condition: Nonpapillary renal cell carcinoma. Review status: no classification provided. Collection method: in vitro. Allele origin: not applicable. Functional consequence: retained intron. Not counted in ClinVar's aggregate classification.

Dr. Peter K. Rogan Lab, Western University
No classification provided (evidence only). Condition: Thymoma. Review status: no classification provided. Collection method: in vitro. Allele origin: not applicable. Functional consequence: retained intron. Not counted in ClinVar's aggregate classification.

Dr. Peter K. Rogan Lab, Western University
No classification provided (evidence only). Condition: Thymoma. Review status: no classification provided. Collection method: in vitro. Allele origin: not applicable. Functional consequence: retained intron. Not counted in ClinVar's aggregate classification.

Dr. Peter K. Rogan Lab, Western University
No classification provided (evidence only). Condition: Thymoma. Review status: no classification provided. Collection method: in vitro. Allele origin: not applicable. Functional consequence: retained intron. Not counted in ClinVar's aggregate classification.

Dr. Peter K. Rogan Lab, Western University
No classification provided (evidence only). Condition: Thymoma. Review status: no classification provided. Collection method: in vitro. Allele origin: not applicable. Functional consequence: retained intron. Not counted in ClinVar's aggregate classification.

Dr. Peter K. Rogan Lab, Western University
No classification provided (evidence only). Condition: Thymoma. Review status: no classification provided. Collection method: in vitro. Allele origin: not applicable. Functional consequence: retained intron. Not counted in ClinVar's aggregate classification.

Dr. Peter K. Rogan Lab, Western University
No classification provided (evidence only). Condition: Thymoma. Review status: no classification provided. Collection method: in vitro. Allele origin: not applicable. Functional consequence: retained intron. Not counted in ClinVar's aggregate classification.

Dr. Peter K. Rogan Lab, Western University
No classification provided (evidence only). Condition: Thymoma. Review status: no classification provided. Collection method: in vitro. Allele origin: not applicable. Functional consequence: retained intron. Not counted in ClinVar's aggregate classification.

Dr. Peter K. Rogan Lab, Western University
No classification provided (evidence only). Condition: Thymoma. Review status: no classification provided. Collection method: in vitro. Allele origin: not applicable. Functional consequence: retained intron. Not counted in ClinVar's aggregate classification.

Dr. Peter K. Rogan Lab, Western University
No classification provided (evidence only). Condition: Lymphoma. Review status: no classification provided. Collection method: in vitro. Allele origin: not applicable. Functional consequence: retained intron. Not counted in ClinVar's aggregate classification.

Dr. Peter K. Rogan Lab, Western University
No classification provided (evidence only). Condition: Lymphoma. Review status: no classification provided. Collection method: in vitro. Allele origin: not applicable. Functional consequence: retained intron. Not counted in ClinVar's aggregate classification.

Dr. Peter K. Rogan Lab, Western University
No classification provided (evidence only). Condition: Lymphoma. Review status: no classification provided. Collection method: in vitro. Allele origin: not applicable. Functional consequence: retained intron. Not counted in ClinVar's aggregate classification.

Dr. Peter K. Rogan Lab, Western University
No classification provided (evidence only). Condition: Lymphoma. Review status: no classification provided. Collection method: in vitro. Allele origin: not applicable. Functional consequence: retained intron. Not counted in ClinVar's aggregate classification.

Dr. Peter K. Rogan Lab, Western University
No classification provided (evidence only). Condition: Lymphoma. Review status: no classification provided. Collection method: in vitro. Allele origin: not applicable. Functional consequence: retained intron. Not counted in ClinVar's aggregate classification.

Dr. Peter K. Rogan Lab, Western University
No classification provided (evidence only). Condition: Ovarian cancer. Review status: no classification provided. Collection method: in vitro. Allele origin: not applicable. Functional consequence: retained intron. Not counted in ClinVar's aggregate classification.

Dr. Peter K. Rogan Lab, Western University
No classification provided (evidence only). Condition: Ovarian cancer. Review status: no classification provided. Collection method: in vitro. Allele origin: not applicable. Functional consequence: retained intron. Not counted in ClinVar's aggregate classification.

Dr. Peter K. Rogan Lab, Western University
No classification provided (evidence only). Condition: Ovarian cancer. Review status: no classification provided. Collection method: in vitro. Allele origin: not applicable. Functional consequence: retained intron. Not counted in ClinVar's aggregate classification.